The following is an entry in ClinVar:

ClinVar aggregate classification (germline): Uncertain significance. Review status: criteria provided, multiple submitters, no conflicts (2 of 4 stars). 2 submissions from 2 submitters: Uncertain significance (2). Last evaluated 2024-01-18.

Conditions:
Diamond-Blackfan anemia 9 (DBA9). Also called: RPS10-Related Diamond-Blackfan Anemia. Identifiers: Orphanet 124, MedGen C2750081, MONDO:0013216, OMIM 613308.
Diamond-Blackfan anemia. Also called: Blackfan Diamond syndrome; Aregenerative anemia chronic congenital; Red cell aplasia, pure hereditary; Congenital hypoplastic anemia; Aase syndrome. Identifiers: Orphanet 124, MedGen C1260899, MeSH D029503, MONDO:0015253, HP:0004810.

Allele frequency attached by ClinVar (database versions not stated): ExAC 0.00001.
gnomAD v4.1: 20 of 1,611,876 alleles (0.0012%); highest among the groups gnomAD compares: Non-Finnish European, 0.0016%; no homozygotes.

Submissions (2):

Fulgent Genetics
Classification: Uncertain significance for Diamond-Blackfan anemia 9. Last evaluated: 2024-01-18. Review status: criteria provided, single submitter. Criteria: ACMG Guidelines, 2015. Collection method: clinical testing. Allele origin: germline.

Labcorp Genetics (formerly Invitae), Labcorp
Classification: Uncertain significance for Diamond-Blackfan anemia. Last evaluated: 2023-05-21. Review status: criteria provided, single submitter. Criteria: Invitae Variant Classification Sherloc (09022015). Collection method: clinical testing. Allele origin: germline.
Comment: An algorithm developed to predict the effect of missense changes on protein structure and function (PolyPhen-2) suggests that this variant is likely to be tolerated. In summary, the available evidence is currently insufficient to determine the role of this variant in disease. Therefore, it has been classified as a Variant of Uncertain Significance. This variant has not been reported in the literature in individuals affected with RPS10-related conditions. This variant is present in population databases (rs745760166, gnomAD 0.003%). This sequence change replaces arginine, which is basic and polar, with tryptophan, which is neutral and slightly polar, at codon 8 of the RPS10 protein (p.Arg8Trp).

NM_001014.5(RPS10):c.22C>T (p.Arg8Trp)

Genes: RPS10 (ribosomal protein S10; minus strand), RPS10-NUDT3 (RPS10-NUDT3 readthrough; minus strand). Cytogenetic location: 6p21.31.
Variant type: single nucleotide variant.
Coding change: c.22C>T on transcript NM_001014.5 (MANE Select); coding-DNA position 22, C replaced by T.
Protein change: p.Arg8Trp; replaces arginine 8 with tryptophan.
Molecular consequence: missense variant.
Genome position (GRCh38, 1-based): chr6:34,425,200, G>A on the plus strand (C>T on the coding strand, the complement: RPS10 is on the minus strand). VCF-style: chr6-34425200-G-A. GRCh37 (hg19) VCF-style: chr6-34392977-G-A.
Other names: c.22C>T, p.Arg8Trp (NM_001202470.3, NM_001203245.3, NM_001204091.2); short protein forms R8W.
Identifiers: ClinVar variation 2869551 (VCV002869551.4), dbSNP rs745760166, ClinGen allele CA3765145.